The following is an entry in ClinVar:

NM_001378454.1(ALMS1):c.11696A>G (p.Lys3899Arg)

Gene: ALMS1 (ALMS1 centrosome and basal body associated protein; plus strand). Cytogenetic location: 2p13.1.
Variant type: single nucleotide variant.
Coding change: c.11696A>G on transcript NM_001378454.1 (MANE Select); coding-DNA position 11696, A replaced by G.
Protein change: p.Lys3899Arg; replaces lysine 3899 with arginine.
Molecular consequence: missense variant.
Genome position (GRCh38, 1-based): chr2:73,600,705, A>G. VCF-style: chr2-73600705-A-G. GRCh37 (hg19) VCF-style: chr2-73827832-A-G.
Other names: c.11699A>G, p.Lys3900Arg (NM_015120.4); short protein forms K3900R, K3899R.
Identifiers: ClinVar variation 506253 (VCV000506253.4), dbSNP rs1347288383, ClinGen allele CA347264229.

ClinVar aggregate classification (germline): Likely benign (1 of 4 stars; one submission).

Allele frequency attached by ClinVar (database versions not stated): gnomAD exomes below 0.00001; TOPMed below 0.00001; gnomAD 0.00002.
gnomAD v4.1: 5 of 1,613,974 alleles (0.00031%); highest among the groups gnomAD compares: African/African-American, 0.0013%; no homozygotes.

Submission:

Laboratory for Molecular Medicine, Mass General Brigham Personalized Medicine
Classification: Likely benign. Last evaluated: 2018-01-08. Review status: criteria provided, single submitter. Criteria: LMM Criteria. Collection method: clinical testing. Allele origin: germline. Observed: 1 variant allele.
Comment: p.Lys3900Arg in exon 18 of ALMS1: This variant is not expected to have clinical significance due to a lack of conservation across species, including mammals. Of note, 4 have an Arginine (Arg) at this position despite high nearby amino acid conservation. In addition, computational prediction tools do not suggest an impa ct to the protein. ACMG/AMP Criteria applied: BP4_Strong.